The following is an entry in ClinVar:

NM_014049.5(ACAD9):c.659C>T (p.Ala220Val)

Gene: ACAD9 (acyl-CoA dehydrogenase family member 9; plus strand). Cytogenetic location: 3q21.3.
Variant type: single nucleotide variant.
Coding change: c.659C>T on transcript NM_014049.5 (MANE Select); coding-DNA position 659, C replaced by T.
Protein change: p.Ala220Val; replaces alanine 220 with valine.
Molecular consequence: missense variant. On other transcripts: non-coding transcript variant (1).
Genome position (GRCh38, 1-based): chr3:128,899,312, C>T. VCF-style: chr3-128899312-C-T. GRCh37 (hg19) VCF-style: chr3-128618155-C-T.
Other names: c.290C>T, p.Ala97Val (NM_001410805.1); short protein forms A220V, A97V.
Identifiers: ClinVar variation 4526405 (VCV004526405.1).

ClinVar aggregate classification (germline): Likely pathogenic (1 of 4 stars; one submission).

Conditions:
Hypertrophic cardiomyopathy. Also called: HYPERTROPHIC MYOCARDIOPATHY. Identifiers: Orphanet 217569, MedGen C0007194, MeSH D002312, MONDO:0005045, HP:0001639.

gnomAD v4.1: 1 of 1,614,174 alleles (0.000062%); highest among the groups gnomAD compares: Non-Finnish European, 0.000085%; no homozygotes.

Submission:

Petrovsky National Research Centre of Surgery, The Federal Agency for Scientific Organizations
Classification: Likely pathogenic for Hypertrophic cardiomyopathy. Review status: criteria provided, single submitter. Criteria: ACMG Guidelines, 2015. Collection method: clinical testing. Allele origin: germline. Inheritance: Autosomal recessive inheritance. Affected: yes.
Comment: The ACAD9 c.659C>T (p.Ala220Val) variant (chr3:128899312 C>T) is a missense change in exon 7 of the ACAD9 gene (NM_014049.5), resulting in an alanine-to-valine substitution at codon 220. The variant is extremely rare in the general population (allele frequency = 0.0000006195; gnomAD v4.0.0), supporting its absence as a common polymorphism (PM2_supporting). It is located in a critical functional domain of the ACAD9 protein where pathogenic variants are frequently reported (PM1). Computational prediction tools indicate a deleterious effect on protein function (PP3_supporting). Based on ACMG/AMP guidelines (Richards S et al., PMID: 25741868), this variant is classified as likely pathogenic (Class IV).